The following is an entry in ClinVar:

ClinVar aggregate classification (germline): Likely benign. Review status: criteria provided, single submitter (1 of 4 stars). 2 submissions from 2 submitters: Likely benign (1). 1 of the submissions does not count toward it. Last evaluated 2025-03-16.

Conditions:
NALCN-related disorder. Also called: NALCN-related condition; NALCN-related disorders.

Allele frequency attached by ClinVar (database versions not stated): ExAC 0.00001; gnomAD 0.00007; TOPMed 0.00006; gnomAD exomes 0.00001.
gnomAD v4.1: 27 of 1,614,030 alleles (0.0017%); highest among the groups gnomAD compares: African/African-American, 0.025%; no homozygotes.

Submissions (2):

Labcorp Genetics (formerly Invitae), Labcorp
Classification: Likely benign. Last evaluated: 2025-03-16. Review status: criteria provided, single submitter. Criteria: Invitae Variant Classification Sherloc (09022015). Collection method: clinical testing. Allele origin: germline.

PreventionGenetics, part of Exact Sciences
Classification: Likely benign for NALCN-related condition. Last evaluated: 2024-01-22. Review status: no assertion criteria provided. Collection method: clinical testing. Allele origin: germline. Not counted in ClinVar's aggregate classification.
Comment: This variant is classified as likely benign based on ACMG/AMP sequence variant interpretation guidelines (Richards et al. 2015 PMID: 25741868, with internal and published modifications).

NM_052867.4(NALCN):c.1209C>T (p.Ser403=)

Genes: NALCN (sodium leak channel, non-selective; minus strand), LOC126861831 (P300/CBP strongly-dependent group 1 enhancer GRCh37_chr13:101909917-101911116; plus strand). Cytogenetic location: 13q33.1.
Variant type: single nucleotide variant.
Coding change: c.1209C>T on transcript NM_052867.4 (MANE Select); coding-DNA position 1209, C replaced by T.
Protein change: p.Ser403=; no amino-acid change (serine 403 retained).
Molecular consequence: synonymous variant.
Genome position (GRCh38, 1-based): chr13:101,258,500, G>A on the plus strand (C>T on the coding strand, the complement: NALCN is on the minus strand). VCF-style: chr13-101258500-G-A. GRCh37 (hg19) VCF-style: chr13-101910851-G-A.
Other names: c.1209C>T, p.Ser403= (NM_001350748.2, NM_001350749.2); c.1122C>T, p.Ser374= (NM_001350750.2, NM_001350751.2).
Identifiers: ClinVar variation 3028948 (VCV003028948.4), dbSNP rs747433458, ClinGen allele CA7036273.